The following is an entry in ClinVar:

NM_001330360.2(POLA1):c.2235A>T (p.Leu745Phe)

Gene: POLA1 (DNA polymerase alpha 1, catalytic subunit; plus strand). Cytogenetic location: Xp22.11.
Variant type: single nucleotide variant.
Coding change: c.2235A>T on transcript NM_001330360.2 (MANE Select); coding-DNA position 2235, A replaced by T.
Protein change: p.Leu745Phe; replaces leucine 745 with phenylalanine.
Molecular consequence: missense variant. On other transcripts: non-coding transcript variant (2).
Genome position (GRCh38, 1-based): chrX:24,741,393, A>T. VCF-style: chrX-24741393-A-T. GRCh37 (hg19) VCF-style: chrX-24759510-A-T.
Other names: c.2160A>T, p.Leu720Phe (NM_001378303.1); c.2217A>T, p.Leu739Phe (NM_016937.4); short protein forms L720F, L739F, L745F.
Identifiers: ClinVar variation 3035755 (VCV003035755.2), dbSNP rs2518834632, ClinGen allele CA412536030.

ClinVar aggregate classification (germline): Uncertain significance (0 of 4 stars; one submission).

Conditions:
POLA1-related disorder. Also called: POLA1-related condition.

Submission:

PreventionGenetics, part of Exact Sciences
Classification: Uncertain significance for POLA1-related condition. Last evaluated: 2023-12-22. Review status: no assertion criteria provided. Collection method: clinical testing. Allele origin: germline.
Comment: The POLA1 c.2217A>T variant is predicted to result in the amino acid substitution p.Leu739Phe. To our knowledge, this variant has not been reported in the literature or in a large population database, indicating this variant is rare. At this time, the clinical significance of this variant is uncertain due to the absence of conclusive functional and genetic evidence.